The following is an entry in ClinVar:

ClinVar aggregate classification (germline): Uncertain significance (1 of 4 stars; one submission).

Conditions:
Malignant hyperthermia, susceptibility to, 1 (MHS1). Also called: Anesthesia related hyperthermia; Malignant hyperpyrexia; Fulminating hyperpyrexia; Pharmacogenic myopathy; RYR1-Related Malignant Hyperthermia Susceptibility; Malignant hyperthermia suceptibility 1. Identifiers: Orphanet 423, MedGen C2930980, MONDO:0007783, OMIM 145600.

Allele frequency attached by ClinVar (database versions not stated): gnomAD exomes below 0.00001.
gnomAD v4.1: 1 of 1,612,730 alleles (0.000062%); highest among the groups gnomAD compares: Non-Finnish European, 0.000085%; no homozygotes.

Submission:

All of Us Research Program, National Institutes of Health
Classification: Uncertain significance for Malignant hyperthermia, susceptibility to, 1. Last evaluated: 2023-11-02. Review status: criteria provided, single submitter. Criteria: ACMG Guidelines, 2015. Collection method: clinical testing. Allele origin: germline. Inheritance: Autosomal dominant inheritance. Observed: 1 variant allele, 1 heterozygote.
Comment: This missense variant replaces aspartic acid with valine at codon 2947 of the RYR1 protein. Computational prediction suggests that this variant may have deleterious impact on protein structure and function (internally defined REVEL score threshold >= 0.7, PMID: 27666373). To our knowledge, functional studies have not been reported for this variant. This variant has not been reported in individuals affected with RYR1-related disorders in the literature. This variant has not been identified in the general population by the Genome Aggregation Database (gnomAD). The available evidence is insufficient to determine the role of this variant in disease conclusively. Therefore, this variant is classified as a Variant of Uncertain Significance.

This study involves interpretation of variants in research participants for the purpose of population health screening. Participant phenotype was not available at the time of variant classification. Additional details can be found in publication PMID: 35346344, PMCID: PMC8962531

NM_000540.3(RYR1):c.8840A>T (p.Asp2947Val)

Gene: RYR1 (ryanodine receptor 1; plus strand). Cytogenetic location: 19q13.2.
Variant type: single nucleotide variant.
Coding change: c.8840A>T on transcript NM_000540.3 (MANE Select); coding-DNA position 8840, A replaced by T.
Protein change: p.Asp2947Val; replaces aspartic acid 2947 with valine.
Molecular consequence: missense variant.
Genome position (GRCh38, 1-based): chr19:38,507,735, A>T. VCF-style: chr19-38507735-A-T. GRCh37 (hg19) VCF-style: chr19-38998375-A-T.
Other names: c.8840A>T, p.Asp2947Val (NM_001042723.2); short protein forms D2947V.
Identifiers: ClinVar variation 3074207 (VCV003074207.1), dbSNP rs2514378339, ClinGen allele CA405681756.